The following is an entry in ClinVar:

NM_022436.3(ABCG5):c.1082C>G (p.Ser361Cys)

Genes: DYNC2LI1 (dynein cytoplasmic 2 light intermediate chain 1; plus strand), ABCG5 (ATP binding cassette subfamily G member 5; minus strand). Cytogenetic location: 2p21.
Variant type: single nucleotide variant.
Coding change: c.1082C>G on transcript NM_022436.3 (MANE Select); coding-DNA position 1082, C replaced by G.
Protein change: p.Ser361Cys; replaces serine 361 with cysteine.
Molecular consequence: missense variant. On other transcripts: intron variant (2).
Genome position (GRCh38, 1-based): chr2:43,824,255, G>C on the plus strand (C>G on the coding strand, the complement: ABCG5 is on the minus strand). VCF-style: chr2-43824255-G-C. GRCh37 (hg19) VCF-style: chr2-44051394-G-C.
Other names: c.*16-3131G>C (NM_001348913.2, NM_001348912.2); short protein forms S361C.
Identifiers: ClinVar variation 336044 (VCV000336044.13), dbSNP rs776365033, ClinGen allele CA10613352.

ClinVar aggregate classification (germline): Uncertain significance. Review status: criteria provided, multiple submitters, no conflicts (2 of 4 stars). 3 submissions from 3 submitters: Uncertain significance (3). Last evaluated 2025-10-14.

Conditions:
Sitosterolemia 1. Identifiers: MedGen C2749759, MONDO:0020747, OMIM 210250.
Cardiovascular phenotype. Identifiers: MedGen CN230736.
Sitosterolemia (STSL). Also called: PHYTOSTEROLEMIA. Identifiers: Orphanet 2882, MedGen C0342907, MONDO:0008863.

Allele frequency attached by ClinVar (database versions not stated): TOPMed 0.00002.
gnomAD v4.1: 26 of 1,614,088 alleles (0.0016%); highest among the groups gnomAD compares: Non-Finnish European, 0.0021%; no homozygotes.

Submissions (3):

Labcorp Genetics (formerly Invitae), Labcorp
Classification: Uncertain significance for Sitosterolemia. Last evaluated: 2025-10-14. Review status: criteria provided, single submitter. Criteria: Invitae Variant Classification Sherloc (09022015). Collection method: clinical testing. Allele origin: germline.
Comment: This sequence change replaces serine, which is neutral and polar, with cysteine, which is neutral and slightly polar, at codon 361 of the ABCG5 protein (p.Ser361Cys). This variant is present in population databases (no rsID available, gnomAD 0.003%). This variant has not been reported in the literature in individuals affected with ABCG5-related conditions. ClinVar contains an entry for this variant (Variation ID: 336044). An algorithm developed to predict the effect of missense changes on protein structure and function (PolyPhen-2) suggests that this variant is likely to be tolerated. In summary, the available evidence is currently insufficient to determine the role of this variant in disease. Therefore, it has been classified as a Variant of Uncertain Significance.

Ambry Genetics
Classification: Uncertain significance for Cardiovascular phenotype. Last evaluated: 2024-03-22. Review status: criteria provided, single submitter. Criteria: Ambry Variant Classification Scheme 2023. Collection method: clinical testing. Allele origin: germline.
Comment: The p.S361C variant (also known as c.1082C>G), located in coding exon 8 of the ABCG5 gene, results from a C to G substitution at nucleotide position 1082. The serine at codon 361 is replaced by cysteine, an amino acid with dissimilar properties. This amino acid position is conserved. In addition, this alteration is predicted to be tolerated by in silico analysis. Since supporting evidence is limited at this time, the clinical significance of this alteration remains unclear.

Illumina Laboratory Services, Illumina
Classification: Uncertain significance for Sitosterolemia 1. Last evaluated: 2018-01-12. Review status: criteria provided, single submitter. Criteria: ICSL Variant Classification Criteria 13 December 2019. Collection method: clinical testing. Allele origin: germline.